The following is an entry in ClinVar:

NM_016333.4(SRRM2):c.4485G>T (p.Pro1495=)

Gene: SRRM2 (serine/arginine repetitive matrix 2; plus strand). Cytogenetic location: 16p13.3.
Variant type: single nucleotide variant.
Coding change: c.4485G>T on transcript NM_016333.4 (MANE Select); coding-DNA position 4485, G replaced by T.
Protein change: p.Pro1495=; no amino-acid change (proline 1495 retained).
Molecular consequence: synonymous variant.
Genome position (GRCh38, 1-based): chr16:2,765,013, G>T. VCF-style: chr16-2765013-G-T. GRCh37 (hg19) VCF-style: chr16-2815014-G-T.
Identifiers: ClinVar variation 4821714 (VCV004821714.4).

ClinVar aggregate classification (germline): Likely benign (1 of 4 stars; one submission).

gnomAD v4.1: 1 of 1,613,866 alleles (0.000062%); highest among the groups gnomAD compares: Non-Finnish European, 0.000085%; no homozygotes.

Submission:

CeGaT Center for Human Genetics Tuebingen
Classification: Likely benign. Last evaluated: 2026-07-01. Review status: criteria provided, single submitter. Criteria: CeGaT Center For Human Genetics Tuebingen Variant Classification Criteria Version 2. Collection method: clinical testing. Allele origin: germline. Affected: yes. Observed: 2 variant alleles.
Comment: SRRM2: BP4, BP7